The following is an entry in ClinVar:

ClinVar aggregate classification (germline): Uncertain significance (1 of 4 stars; one submission).

Conditions:
Charcot-Marie-Tooth disease dominant intermediate C (CMTDIC). Also called: CHARCOT-MARIE-TOOTH NEUROPATHY, DOMINANT INTERMEDIATE C. Identifiers: Orphanet 100045, MedGen C1842237, MONDO:0012012, OMIM 608323.

Allele frequency attached by ClinVar (database versions not stated): gnomAD exomes below 0.00001; TOPMed below 0.00001; gnomAD 0.00001.
gnomAD v4.1: 5 of 1,614,034 alleles (0.00031%); highest among the groups gnomAD compares: East Asian, 0.0022%; no homozygotes.

Submission:

Labcorp Genetics (formerly Invitae), Labcorp
Classification: Uncertain significance for Charcot-Marie-Tooth disease dominant intermediate C. Last evaluated: 2021-09-20. Review status: criteria provided, single submitter. Criteria: Invitae Variant Classification Sherloc (09022015). Collection method: clinical testing. Allele origin: germline.
Comment: This sequence change replaces tyrosine with cysteine at codon 472 of the YARS protein (p.Tyr472Cys). The tyrosine residue is highly conserved and there is a large physicochemical difference between tyrosine and cysteine. This variant is not present in population databases (ExAC no frequency). This variant has not been reported in the literature in individuals affected with YARS-related conditions. Algorithms developed to predict the effect of missense changes on protein structure and function are either unavailable or do not agree on the potential impact of this missense change (SIFT: "Not Available"; PolyPhen-2: "Benign"; Align-GVGD: "Not Available"). In summary, the available evidence is currently insufficient to determine the role of this variant in disease. Therefore, it has been classified as a Variant of Uncertain Significance.

NM_003680.4(YARS1):c.1415A>G (p.Tyr472Cys)

Gene: YARS1 (tyrosyl-tRNA synthetase 1; minus strand). Cytogenetic location: 1p35.1.
Variant type: single nucleotide variant.
Coding change: c.1415A>G on transcript NM_003680.4 (MANE Select); coding-DNA position 1415, A replaced by G.
Protein change: p.Tyr472Cys; replaces tyrosine 472 with cysteine.
Molecular consequence: missense variant.
Genome position (GRCh38, 1-based): chr1:32,779,443, T>C on the plus strand (A>G on the coding strand, the complement: YARS1 is on the minus strand). VCF-style: chr1-32779443-T-C. GRCh37 (hg19) VCF-style: chr1-33245044-T-C.
Other names: short protein forms Y472C.
Identifiers: ClinVar variation 1681476 (VCV001681476.6), dbSNP rs1214337748, ClinGen allele CA339680454.